The following is an entry in ClinVar:

NM_032043.3(BRIP1):c.2013G>T (p.Glu671Asp)

Gene: BRIP1 (BRCA1 interacting DNA helicase 1; minus strand). Cytogenetic location: 17q23.2.
Variant type: single nucleotide variant.
Coding change: c.2013G>T on transcript NM_032043.3 (MANE Select); coding-DNA position 2013, G replaced by T.
Protein change: p.Glu671Asp; replaces glutamic acid 671 with aspartic acid.
Molecular consequence: missense variant.
Genome position (GRCh38, 1-based): chr17:61,776,485, C>A on the plus strand (G>T on the coding strand, the complement: BRIP1 is on the minus strand). VCF-style: chr17-61776485-C-A. GRCh37 (hg19) VCF-style: chr17-59853846-C-A.
Other names: short protein forms E671D.
Identifiers: ClinVar variation 1691981 (VCV001691981.2), dbSNP rs2145030486, ClinGen allele CA400478341.

ClinVar aggregate classification (germline): Uncertain significance. Review status: criteria provided, multiple submitters, no conflicts (2 of 4 stars). 2 submissions from 2 submitters: Uncertain significance (2). Last evaluated 2025-07-27.

Conditions:
Hereditary cancer-predisposing syndrome. Also called: Neoplastic Syndromes, Hereditary; Hereditary neoplastic syndrome; Tumor predisposition; Hereditary Cancer Syndrome. Identifiers: Orphanet 140162, MedGen C0027672, MeSH D009386, MONDO:0015356.
Familial cancer of breast. Also called: hereditary breast carcinoma; BREAST CANCER, FAMILIAL; Hereditary breast cancer. Identifiers: Orphanet 227535, MedGen C0346153, MONDO:0016419, OMIM 114480. Disease mechanism: loss of function.
Fanconi anemia complementation group J. Also called: BRIP1-Related Fanconi Anemia. Identifiers: Orphanet 84, MedGen C1836860, MONDO:0012187, OMIM 609054.

Allele frequency attached by ClinVar (database versions not stated): gnomAD exomes below 0.00001.
gnomAD v4.1: 1 of 1,614,182 alleles (0.000062%); highest among the groups gnomAD compares: African/African-American, 0.0013%; no homozygotes.

Submissions (2):

Labcorp Genetics (formerly Invitae), Labcorp
Classification: Uncertain significance for Familial cancer of breast; Fanconi anemia complementation group J. Last evaluated: 2025-07-27. Review status: criteria provided, single submitter. Criteria: Invitae Variant Classification Sherloc (09022015). Collection method: clinical testing. Allele origin: germline.
Comment: This sequence change replaces glutamic acid, which is acidic and polar, with aspartic acid, which is acidic and polar, at codon 671 of the BRIP1 protein (p.Glu671Asp). This variant is not present in population databases (gnomAD no frequency). This variant has not been reported in the literature in individuals affected with BRIP1-related conditions. ClinVar contains an entry for this variant (Variation ID: 1691981). Invitae Evidence Modeling of protein sequence and biophysical properties (such as structural, functional, and spatial information, amino acid conservation, physicochemical variation, residue mobility, and thermodynamic stability) indicates that this missense variant is not expected to disrupt BRIP1 protein function with a negative predictive value of 95%. In summary, the available evidence is currently insufficient to determine the role of this variant in disease. Therefore, it has been classified as a Variant of Uncertain Significance.

Sema4
Classification: Uncertain significance for Hereditary cancer-predisposing syndrome. Last evaluated: 2021-08-10. Review status: criteria provided, single submitter. Criteria: Sema4 Curation Guidelines. Collection method: curation. Allele origin: germline.
Comment: The BRIP1 c.2013G>T (p.E671D) variant has not been reported in the literature to our knowledge. This variant is not reported in the population database Genome Aggregation Database (PMID: 32461654), or in ClinVar. In silico tools suggest the impact of the variant on protein function is benign, though these predictions have not been confirmed by functional studies. The evidence is insufficient to meet ACMG/AMP criteria for classifying the variant as benign or pathogenic. Thus, the clinical significance of this variant is currently uncertain.